The following is an entry in ClinVar:

NM_032043.3(BRIP1):c.3505G>T (p.Asp1169Tyr)

Gene: BRIP1 (BRCA1 interacting DNA helicase 1; minus strand). Cytogenetic location: 17q23.2.
Variant type: single nucleotide variant.
Coding change: c.3505G>T on transcript NM_032043.3 (MANE Select); coding-DNA position 3505, G replaced by T.
Protein change: p.Asp1169Tyr; replaces aspartic acid 1169 with tyrosine.
Molecular consequence: missense variant.
Genome position (GRCh38, 1-based): chr17:61,683,541, C>A on the plus strand (G>T on the coding strand, the complement: BRIP1 is on the minus strand). VCF-style: chr17-61683541-C-A. GRCh37 (hg19) VCF-style: chr17-59760902-C-A.
Other names: short protein forms D1169Y.
Identifiers: ClinVar variation 141812 (VCV000141812.30), dbSNP rs587782029, ClinGen allele CA166504.
Genomic context (GRCh38, chr17:61,683,541, plus strand): 5'-CCTCAGCTTTCACTTCTCTGGCTGAATCTACTTCTTTTATAGTTCTAATTTCAAAAAGGT[C>A]TTTAGCTAAAATGCAATCTGAATTGTTAGCCAATCTATTTCCTCTATCAGTTTCAGCTAG-3'
Protein context (NP_114432.2, residues 1159-1179): ANNSDCILAK[Asp1169Tyr]LFEIRTIKEV

ClinVar aggregate classification (germline): Uncertain significance. Review status: criteria provided, multiple submitters, no conflicts (2 of 4 stars). 7 submissions from 7 submitters: Uncertain significance (6). 1 of the submissions does not count toward it. Last evaluated 2025-11-06.

Conditions:
Hereditary cancer-predisposing syndrome. Also called: Neoplastic Syndromes, Hereditary; Hereditary Cancer Syndrome; Hereditary neoplastic syndrome; Tumor predisposition. Identifiers: Orphanet 140162, MedGen C0027672, MeSH D009386, MONDO:0015356.
Familial cancer of breast. Also called: Hereditary breast cancer; hereditary breast carcinoma; BREAST CANCER, FAMILIAL. Identifiers: Orphanet 227535, MedGen C0346153, MONDO:0016419, OMIM 114480. Disease mechanism: loss of function.
Fanconi anemia complementation group J. Also called: BRIP1-Related Fanconi Anemia. Identifiers: Orphanet 84, MedGen C1836860, MONDO:0012187, OMIM 609054.
Hereditary breast ovarian cancer syndrome. Also called: Hereditary breast and ovarian cancer syndrome; Hereditary breast and/or ovarian cancer syndrome; BRCA1- and BRCA2-Associated Hereditary Breast and Ovarian Cancer; Hereditary breast and ovarian cancer; Breast and ovarian cancer; Hereditary breast and ovarian cancer syndrome (HBOC). Identifiers: Orphanet 145, MedGen C0677776, MeSH D061325, MONDO:0003582. Disease mechanism: loss of function.

Allele frequency attached by ClinVar (database versions not stated): TOPMed below 0.00001; gnomAD 0.00001; gnomAD exomes 0.00001.
gnomAD v4.1: 16 of 1,613,194 alleles (0.00099%); highest among the groups gnomAD compares: Non-Finnish European, 0.0012%; no homozygotes.

Submissions (7):

Color Diagnostics, LLC DBA Color Health
Classification: Uncertain significance for Hereditary cancer-predisposing syndrome. Last evaluated: 2025-11-06. Review status: criteria provided, single submitter. Criteria: ACMG Guidelines, 2015. Collection method: clinical testing. Allele origin: germline.
Comment: This missense variant replaces aspartic acid with tyrosine at codon 1169 of the BRIP1 protein. Computational prediction suggests that this variant may not impact protein structure and function. To our knowledge, functional studies have not been performed for this variant. In a case-control study, this variant was detected in 1/1853 individuals with a personal and family history of breast cancer and absent in 2001 controls (PMID: 26921362). This variant has been identified in 2/31388 chromosomes in the general population by the Genome Aggregation Database (gnomAD). The available evidence is insufficient to determine the role of this variant in disease conclusively. Therefore, this variant is classified as a Variant of Uncertain Significance.

Labcorp Genetics (formerly Invitae), Labcorp
Classification: Uncertain significance for Familial cancer of breast; Fanconi anemia complementation group J. Last evaluated: 2024-11-20. Review status: criteria provided, single submitter. Criteria: Invitae Variant Classification Sherloc (09022015). Collection method: clinical testing. Allele origin: germline.
Comment: This sequence change replaces aspartic acid, which is acidic and polar, with tyrosine, which is neutral and polar, at codon 1169 of the BRIP1 protein (p.Asp1169Tyr). This variant is present in population databases (rs587782029, gnomAD 0.01%). This variant has not been reported in the literature in individuals affected with BRIP1-related conditions. ClinVar contains an entry for this variant (Variation ID: 141812). Invitae Evidence Modeling of protein sequence and biophysical properties (such as structural, functional, and spatial information, amino acid conservation, physicochemical variation, residue mobility, and thermodynamic stability) indicates that this missense variant is not expected to disrupt BRIP1 protein function with a negative predictive value of 95%. In summary, the available evidence is currently insufficient to determine the role of this variant in disease. Therefore, it has been classified as a Variant of Uncertain Significance.

Ambry Genetics
Classification: Uncertain significance for Hereditary cancer-predisposing syndrome. Last evaluated: 2024-10-31. Review status: criteria provided, single submitter. Criteria: Ambry Variant Classification Scheme 2023. Collection method: clinical testing. Allele origin: germline.
Comment: The p.D1169Y variant (also known as c.3505G>T), located in coding exon 19 of the BRIP1 gene, results from a G to T substitution at nucleotide position 3505. The aspartic acid at codon 1169 is replaced by tyrosine, an amino acid with highly dissimilar properties. This alteration was observed within 1 of 64523 individuals with a personal history of breast cancer (Easton DF et al. J Med Genet, 2016 05;53:298-309). This amino acid position is not well conserved in available vertebrate species. In addition, this alteration is predicted to be tolerated by in silico analysis. Since supporting evidence is limited at this time, the clinical significance of this alteration remains unclear.

GeneDx
Classification: Uncertain significance. Last evaluated: 2021-01-14. Review status: criteria provided, single submitter. Criteria: GeneDx Variant Classification Process June 2021. Collection method: clinical testing. Allele origin: germline. Affected: yes.
Comment: In silico analysis supports that this missense variant has a deleterious effect on protein structure/function; Observed in individuals with breast cancer (Easton 2016); This variant is associated with the following publications: (PMID: 32566746, 26921362)

ARUP Laboratories, Molecular Genetics and Genomics, ARUP Laboratories
Classification: Uncertain significance. Last evaluated: 2020-06-01. Review status: criteria provided, single submitter. Criteria: ARUP Molecular Germline Variant Investigation Process. Collection method: clinical testing. Allele origin: germline.
Comment: The BRIP1 c.3505G>T; p.Asp1169Tyr variant (rs587782029), to our knowledge, is not reported in the medical literature but is reported in ClinVar (Variation ID: 141812). This variant is only observed on two alleles in the Genome Aggregation Database, indicating it is not a common polymorphism. The aspartate at codon 1169 is weakly conserved, but computational analyses (SIFT, PolyPhen-2) predict that this variant may be deleterious. Due to limited information, the clinical significance of this variant is uncertain at this time.

Cancer Genomics Group, Japanese Foundation For Cancer Research
Classification: Uncertain significance for Hereditary breast and ovarian cancer syndrome. Last evaluated: 2019-05-01. Review status: criteria provided, single submitter. Criteria: ACMG Guidelines, 2015. Collection method: research. Allele origin: germline. Affected: yes.

Zotz-Klimas Genetics Lab, MVZ Zotz Klimas
Classification: Uncertain significance for Familial cancer of breast. Last evaluated: 2023-10-30. Review status: no assertion criteria provided. Collection method: clinical testing. Allele origin: germline. Affected: yes. Not counted in ClinVar's aggregate classification.

Literature cited by the submitters: PubMed 26921362 (cited by Color Diagnostics, LLC DBA Color Health and Ambry Genetics).